The following is an entry in ClinVar:

NM_007373.4(SHOC2):c.1580A>T (p.Asn527Ile)

Gene: SHOC2 (SHOC2 leucine rich repeat scaffold protein; plus strand). Cytogenetic location: 10q25.2.
Variant type: single nucleotide variant.
Coding change: c.1580A>T on transcript NM_007373.4 (MANE Select); coding-DNA position 1580, A replaced by T.
Protein change: p.Asn527Ile; replaces asparagine 527 with isoleucine.
Molecular consequence: missense variant. On other transcripts: non-coding transcript variant (1).
Genome position (GRCh38, 1-based): chr10:111,011,649, A>T. VCF-style: chr10-111011649-A-T. GRCh37 (hg19) VCF-style: chr10-112771407-A-T.
Other names: c.1442A>T, p.Asn481Ile (NM_001269039.3); c.1580A>T, p.Asn527Ile (NM_001324336.2, NM_001324337.2); short protein forms N481I, N527I.
Identifiers: ClinVar variation 2978506 (VCV002978506.3), dbSNP rs143242369, ClinGen allele CA378526009.

ClinVar aggregate classification (germline): Uncertain significance (1 of 4 stars; one submission).

Conditions:
RASopathy. Also called: rasopathies; Noonan spectrum disorder. Identifiers: Orphanet 536391, MedGen C5555857, MONDO:0021060.

gnomAD v4.1: 1 of 1,613,940 alleles (0.000062%); highest among the groups gnomAD compares: Non-Finnish European, 0.000085%; no homozygotes.

Submission:

Labcorp Genetics (formerly Invitae), Labcorp
Classification: Uncertain significance for RASopathy. Last evaluated: 2024-05-06. Review status: criteria provided, single submitter. Criteria: Invitae Variant Classification Sherloc (09022015). Collection method: clinical testing. Allele origin: germline.
Comment: This sequence change replaces asparagine, which is neutral and polar, with isoleucine, which is neutral and non-polar, at codon 527 of the SHOC2 protein (p.Asn527Ile). This variant is not present in population databases (gnomAD no frequency). This variant has not been reported in the literature in individuals affected with SHOC2-related conditions. Advanced modeling of protein sequence and biophysical properties (such as structural, functional, and spatial information, amino acid conservation, physicochemical variation, residue mobility, and thermodynamic stability) performed at Invitae indicates that this missense variant is expected to disrupt SHOC2 protein function with a positive predictive value of 80%. In summary, the available evidence is currently insufficient to determine the role of this variant in disease. Therefore, it has been classified as a Variant of Uncertain Significance.